The following is an entry in ClinVar:

ClinVar aggregate classification (germline): Conflicting classifications of pathogenicity. Review status: criteria provided, conflicting classifications (1 of 4 stars). 3 submissions from 3 submitters: Uncertain significance (2); Benign (1). Last evaluated 2025-09-09.

Conditions:
Hereditary cancer-predisposing syndrome. Also called: Neoplastic Syndromes, Hereditary; Hereditary Cancer Syndrome; Hereditary neoplastic syndrome; Tumor predisposition. Identifiers: Orphanet 140162, MedGen C0027672, MeSH D009386, MONDO:0015356.
Familial adenomatous polyposis 2. Also called: FAP type 2; Adenomas, multiple colorectal; MUTYH-associated polyposis; MUTYH-related attenuated familial adenomatous polyposis; MYH-associated polyposis; COLORECTAL ADENOMATOUS POLYPOSIS, AUTOSOMAL RECESSIVE. Identifiers: Orphanet 220460, Orphanet 247798, MedGen C3272841, MONDO:0012041, OMIM 608456.

Submissions (3):

Ambry Genetics
Classification: Benign for Hereditary cancer-predisposing syndrome. Last evaluated: 2025-09-09. Review status: criteria provided, single submitter. Criteria: Ambry Variant Classification Scheme 2023. Collection method: clinical testing. Allele origin: germline.

Labcorp Genetics (formerly Invitae), Labcorp
Classification: Uncertain significance for Familial adenomatous polyposis 2. Last evaluated: 2024-05-13. Review status: criteria provided, single submitter. Criteria: Invitae Variant Classification Sherloc (09022015). Collection method: clinical testing. Allele origin: germline.
Comment: This sequence change replaces proline, which is neutral and non-polar, with serine, which is neutral and polar, at codon 411 of the MUTYH protein (p.Pro411Ser). This variant is not present in population databases (gnomAD no frequency). This variant has not been reported in the literature in individuals affected with MUTYH-related conditions. ClinVar contains an entry for this variant (Variation ID: 2130262). Algorithms developed to predict the effect of missense changes on protein structure and function output the following: SIFT: "Not Available"; PolyPhen-2: "Benign"; Align-GVGD: "Not Available". The serine amino acid residue is found in multiple mammalian species, which suggests that this missense change does not adversely affect protein function. In summary, the available evidence is currently insufficient to determine the role of this variant in disease. Therefore, it has been classified as a Variant of Uncertain Significance.

Color Diagnostics, LLC DBA Color Health
Classification: Uncertain significance for Hereditary cancer-predisposing syndrome. Last evaluated: 2022-11-16. Review status: criteria provided, single submitter. Criteria: ACMG Guidelines, 2015. Collection method: clinical testing. Allele origin: germline.
Comment: This missense variant replaces proline with serine at codon 411 of the MUTYH protein. Computational prediction suggests that this variant may not impact protein structure and function (internally defined REVEL score threshold <= 0.5, PMID: 27666373). To our knowledge, functional studies have not been reported for this variant. This variant has not been reported in individuals affected with MUTYH-related disorders in the literature. This variant has not been identified in the general population by the Genome Aggregation Database (gnomAD). The available evidence is insufficient to determine the role of this variant in disease conclusively. Therefore, this variant is classified as a Variant of Uncertain Significance.

NM_001048174.2(MUTYH):c.1147C>T (p.Pro383Ser)

Gene: MUTYH (mutY DNA glycosylase; minus strand). Cytogenetic location: 1p34.1.
Variant type: single nucleotide variant.
Coding change: c.1147C>T on transcript NM_001048174.2 (MANE Select); coding-DNA position 1147, C replaced by T.
Protein change: p.Pro383Ser; replaces proline 383 with serine.
Molecular consequence: missense variant. On other transcripts: non-coding transcript variant (2).
Genome position (GRCh38, 1-based): chr1:45,331,512, G>A on the plus strand (C>T on the coding strand, the complement: MUTYH is on the minus strand). VCF-style: chr1-45331512-G-A. GRCh37 (hg19) VCF-style: chr1-45797184-G-A.
Other names: c.1180C>T, p.Pro394Ser (NM_001293191.2, NM_001407069.1, NM_001407077.1); c.871C>T, p.Pro291Ser (NM_001293192.2, NM_001293196.2, NM_001407091.1); c.1147C>T, p.Pro383Ser (NM_001293195.2, NM_001407070.1, NM_001407088.1 and 6 more transcripts); c.802C>T, p.Pro268Ser (NM_001350650.2, NM_001350651.2, NM_001407082.1); c.1150C>T, p.Pro384Ser (NM_001407071.1, NM_001407086.1, NM_001048172.2 and 1 more transcripts); c.1189C>T, p.Pro397Ser (NM_001407085.1, NM_001407083.1); c.1168C>T, p.Pro390Ser (NM_001407087.1); c.1222C>T, p.Pro408Ser (NM_012222.3); and 5 more; short protein forms P291S, P370S, P408S, P411S, P383S, P369S, P394S, P397S.
Identifiers: ClinVar variation 2130262 (VCV002130262.8), dbSNP rs2149120668, ClinGen allele CA340133015.